The following is an entry in ClinVar:

NM_001287.6(CLCN7):c.1797+5G>A

Gene: CLCN7 (Cl-/H+ antiporter 7; minus strand). Cytogenetic location: 16p13.3.
Variant type: single nucleotide variant.
Coding change: c.1797+5G>A on transcript NM_001287.6 (MANE Select); 5 bases into the intron after coding-DNA position 1797, G replaced by A.
Molecular consequence: intron variant.
Genome position (GRCh38, 1-based): chr16:1,448,961, C>T on the plus strand (G>A on the coding strand, the complement: CLCN7 is on the minus strand). VCF-style: chr16-1448961-C-T. GRCh37 (hg19) VCF-style: chr16-1498962-C-T.
Other names: c.1725+5G>A (NM_001114331.3).
Identifiers: ClinVar variation 1354477 (VCV001354477.8), dbSNP rs201783415, ClinGen allele CA7810078.

ClinVar aggregate classification (germline): Uncertain significance. Review status: criteria provided, multiple submitters, no conflicts (2 of 4 stars). 2 submissions from 2 submitters: Uncertain significance (2). Last evaluated 2025-02-19.

Allele frequency attached by ClinVar (database versions not stated): gnomAD exomes 0.00002 and 0.00010; gnomAD 0.00007 and 0.00008; ExAC 0.00008; ESP Exome Variant Server 0.00008; TOPMed 0.00008; 1000 Genomes Project 30x 0.00031; 1000 Genomes Project 0.00040.
gnomAD v4.1: 41 of 1,612,302 alleles (0.0025%); highest among the groups gnomAD compares: East Asian, 0.033%; no homozygotes.

Submissions (3):

Labcorp Genetics (formerly Invitae), Labcorp
Classification: Uncertain significance. Last evaluated: 2025-02-19. Review status: criteria provided, single submitter. Criteria: Invitae Variant Classification Sherloc (09022015). Collection method: clinical testing. Allele origin: germline.
Comment: This sequence change falls in intron 19 of the CLCN7 gene. It does not directly change the encoded amino acid sequence of the CLCN7 protein. It affects a nucleotide within the consensus splice site. This variant is present in population databases (rs201783415, gnomAD 0.06%). This variant has not been reported in the literature in individuals affected with CLCN7-related conditions. ClinVar contains an entry for this variant (Variation ID: 1354477). Variants that disrupt the consensus splice site are a relatively common cause of aberrant splicing (PMID: 17576681, 9536098). Algorithms developed to predict the effect of sequence changes on RNA splicing suggest that this variant is not likely to affect RNA splicing. In summary, the available evidence is currently insufficient to determine the role of this variant in disease. Therefore, it has been classified as a Variant of Uncertain Significance.

Blueprint Genetics
Classification: Uncertain significance. Last evaluated: 2020-07-06. Review status: criteria provided, single submitter. Criteria: ACMG Guidelines, 2015. Collection method: clinical testing. Allele origin: germline.

Dr. Peter K. Rogan Lab, Western University
No classification provided (evidence only). Condition: Colon adenocarcinoma. Review status: no classification provided. Collection method: in vitro. Allele origin: not applicable. Functional consequence: retained intron. Not counted in ClinVar's aggregate classification.

Literature cited by the submitters: PubMed 17576681 (cited by Labcorp Genetics (formerly Invitae), Labcorp); PubMed 9536098 (cited by Labcorp Genetics (formerly Invitae), Labcorp).